The following is an entry in ClinVar:

NM_130839.5(UBE3A):c.2072A>G (p.Tyr691Cys)

Genes: SNHG14 (small nucleolar RNA host gene 14; plus strand), UBE3A (ubiquitin protein ligase E3A; minus strand). Cytogenetic location: 15q11.2.
Variant type: single nucleotide variant.
Coding change: c.2072A>G on transcript NM_130839.5 (MANE Select); coding-DNA position 2072, A replaced by G.
Protein change: p.Tyr691Cys; replaces tyrosine 691 with cysteine.
Molecular consequence: missense variant. On other transcripts: non-coding transcript variant (1), intron variant (1).
Genome position (GRCh38, 1-based): chr15:25,355,944, T>C on the plus strand (A>G on the coding strand, the complement: UBE3A is on the minus strand). VCF-style: chr15-25355944-T-C. GRCh37 (hg19) VCF-style: chr15-25601091-T-C.
Other names: c.2012A>G, p.Tyr671Cys (NM_001354541.2, NM_001354542.2, NM_001354543.2 and 16 more transcripts); c.2072A>G, p.Tyr691Cys (NM_001354545.2, NM_001354538.2, NM_001354505.1); c.1895A>G, p.Tyr632Cys (NM_001354546.2); c.2081A>G, p.Tyr694Cys (NM_000462.5); c.821A>G, p.Tyr274Cys (NM_001354550.2); c.761A>G, p.Tyr254Cys (NM_001354551.2); c.1899+747A>G (NM_001354549.2); short protein forms Y671C, Y691C, Y254C, Y632C, Y274C, Y694C.
Identifiers: ClinVar variation 3730829 (VCV003730829.2).

ClinVar aggregate classification (germline): Uncertain significance (1 of 4 stars; one submission).

Conditions:
Angelman syndrome (AS). Also called: HAPPY PUPPET SYNDROME. Identifiers: Orphanet 72, MedGen C0162635, MONDO:0007113, OMIM 105830. Disease mechanism: loss of function. Inheritance: AS is caused by disruption of maternally imprinted UBE3A located within the 15q11.2-q13 Angelman syndrome/Prader-Willi syndrome (AS/PWS) region., imprinting disorder.

gnomAD v4.1: 1 of 1,613,720 alleles (0.000062%); highest among the groups gnomAD compares: Non-Finnish European, 0.000085%; no homozygotes.

Submission:

Labcorp Genetics (formerly Invitae), Labcorp
Classification: Uncertain significance for Angelman syndrome. Last evaluated: 2024-11-21. Review status: criteria provided, single submitter. Criteria: Invitae Variant Classification Sherloc (09022015). Collection method: clinical testing. Allele origin: germline.
Comment: This sequence change replaces tyrosine, which is neutral and polar, with cysteine, which is neutral and slightly polar, at codon 671 of the UBE3A protein (p.Tyr671Cys). This variant is not present in population databases (gnomAD no frequency). This variant has not been reported in the literature in individuals affected with UBE3A-related conditions. Invitae Evidence Modeling of protein sequence and biophysical properties (such as structural, functional, and spatial information, amino acid conservation, physicochemical variation, residue mobility, and thermodynamic stability) indicates that this missense variant is not expected to disrupt UBE3A protein function with a negative predictive value of 80%. In summary, the available evidence is currently insufficient to determine the role of this variant in disease. Therefore, it has been classified as a Variant of Uncertain Significance.